The following is an entry in ClinVar:

ClinVar aggregate classification (germline): Likely pathogenic (1 of 4 stars; one submission).

Conditions:
Martsolf syndrome 2. Identifiers: MedGen C5543626, MONDO:0030376, OMIM 619420.
Warburg micro syndrome 1 (WARBM1). Identifiers: Orphanet 2510, MedGen C1838625, MONDO:0010822, OMIM 600118.

Submission:

First Genomix Gene Laboratory, Genetic Diagnostics Department
Classification: Likely pathogenic for Martsolf syndrome 2; Warburg micro syndrome 1. Last evaluated: 2026-01-05. Review status: criteria provided, single submitter. Criteria: ACMG Guidelines, 2015. Collection method: clinical testing. Allele origin: germline. Inheritance: Autosomal recessive inheritance. Affected: no. Observed: 1 variant allele.

NM_012233.3(RAB3GAP1):c.19-1G>A

Gene: RAB3GAP1 (RAB3 GTPase activating protein catalytic subunit 1; plus strand). Cytogenetic location: 2q21.3.
Variant type: single nucleotide variant.
Coding change: c.19-1G>A on transcript NM_012233.3 (MANE Select); the canonical splice acceptor site of the intron before coding-DNA position 19, G replaced by A.
Molecular consequence: splice acceptor variant.
Genome position (GRCh38, 1-based): chr2:135,052,429, G>A. VCF-style: chr2-135052429-G-A. GRCh37 (hg19) VCF-style: chr2-135809999-G-A.
Other names: c.19-1G>A (NM_001172435.2).
Identifiers: ClinVar variation 4850604 (VCV004850604.1).